The following is an entry in ClinVar:

ClinVar aggregate classification (germline): Pathogenic. Review status: reviewed by expert panel (3 of 4 stars). 2 submissions from 2 submitters: Pathogenic (1). 1 of the submissions does not count toward it. Last evaluated 2016-09-08.

Conditions:
Breast-ovarian cancer, familial, susceptibility to, 2 (BROVCA2). Also called: BRCA2 Hereditary Breast and Ovarian Cancer. Identifiers: Orphanet 145, MedGen C2675520, MONDO:0012933, OMIM 612555. Disease mechanism: loss of function.
Hereditary cancer-predisposing syndrome. Also called: Neoplastic Syndromes, Hereditary; Tumor predisposition; Hereditary Cancer Syndrome; Hereditary neoplastic syndrome. Identifiers: Orphanet 140162, MedGen C0027672, MeSH D009386, MONDO:0015356.

Allele frequency attached by ClinVar (database versions not stated): gnomAD exomes below 0.00001; ExAC 0.00001.

Submissions (2):

Evidence-based Network for the Interpretation of Germline Mutant Alleles (ENIGMA)
Classification: Pathogenic for Breast-ovarian cancer, familial, susceptibility to, 2. Last evaluated: 2016-09-08. Review status: reviewed by expert panel. Criteria: ENIGMA BRCA1/2 Classification Criteria (2015). Collection method: curation. Allele origin: germline.
Comment: Variant allele predicted to encode a truncated non-functional protein.

Ambry Genetics
Classification: Pathogenic for Hereditary cancer-predisposing syndrome. Last evaluated: 2021-02-17. Review status: criteria provided, single submitter. Criteria: Ambry Variant Classification Scheme 2023. Collection method: clinical testing. Allele origin: germline. Not counted in ClinVar's aggregate classification.
Comment: The c.2589delT pathogenic mutation, located in coding exon 10 of the BRCA2 gene, results from a deletion of one nucleotide at nucleotide position 2589, causing a translational frameshift with a predicted alternate stop codon (p.Q864Kfs*10). This mutation has been reported in multiple individuals with breast and/or ovarian cancer (Musolino A et al. Breast, 2007 Jun;16:280-92; Nakagomi H et al. Cancer Sci, 2018 Feb;109:453-461; Laitman Y et al. Hum Mutat, 2019 11;40:e1-e23). Of note, this alteration is also designated as 2817delT in published literature. In addition to the clinical data presented in the literature, this alteration is expected to result in loss of function by premature protein truncation or nonsense-mediated mRNA decay. As such, this alteration is interpreted as a disease-causing mutation.

Literature cited by the submitters: PubMed 17257844 (cited by Ambry Genetics); PubMed 29215753 (cited by Ambry Genetics); PubMed 31209999 (cited by Ambry Genetics).

NM_000059.4(BRCA2):c.2589del (p.Gln864fs)

Gene: BRCA2 (BRCA2 DNA repair associated; plus strand). Cytogenetic location: 13q13.1.
Variant type: Deletion.
Coding change: c.2589del on transcript NM_000059.4 (MANE Select); coding-DNA position 2589, one base deleted (T; older notation c.2589delT).
Protein change: p.Gln864fs; shifts the reading frame from glutamine 864.
Molecular consequence: frameshift variant.
Genome position (GRCh38, 1-based): chr13:32,336,944, T deleted. VCF-style (leftmost placement, unchanged base first): chr13-32336943-AT-A. GRCh37 (hg19) VCF-style: chr13-32911080-AT-A.
Other names: c.2589delT (NM_000059.3); short protein forms Q864fs.
Identifiers: ClinVar variation 51310 (VCV000051310.6), dbSNP rs397507632, ClinGen allele CA015722.